The following is an entry in ClinVar:

NM_015072.5(TTLL5):c.1422G>A (p.Glu474=)

Gene: TTLL5 (tubulin tyrosine ligase like 5; plus strand). Cytogenetic location: 14q24.3.
Variant type: single nucleotide variant.
Coding change: c.1422G>A on transcript NM_015072.5 (MANE Select); coding-DNA position 1422, G replaced by A.
Protein change: p.Glu474=; no amino-acid change (glutamic acid 474 retained).
Molecular consequence: synonymous variant.
Genome position (GRCh38, 1-based): chr14:75,745,516, G>A. VCF-style: chr14-75745516-G-A. GRCh37 (hg19) VCF-style: chr14-76211859-G-A.
Other names: c.1422G>A (NM_015072.4).
Identifiers: ClinVar variation 1165200 (VCV001165200.12), dbSNP rs145268057, ClinGen allele CA7279383.

ClinVar aggregate classification (germline): Benign/Likely benign. Review status: criteria provided, multiple submitters, no conflicts (2 of 4 stars). 3 submissions from 3 submitters: Benign (1); Likely benign (1). 1 of the submissions does not count toward it. Last evaluated 2025-11-10.

Conditions:
TTLL5-related disorder. Also called: TTLL5-related condition.

Allele frequency attached by ClinVar (database versions not stated): gnomAD exomes 0.00005 and 0.00016; ExAC 0.00024; gnomAD 0.00060 and 0.00065; TOPMed 0.00070; ESP Exome Variant Server 0.00092.
gnomAD v4.1: 162 of 1,613,814 alleles (0.01%); highest among the groups gnomAD compares: African/African-American, 0.19%; no homozygotes.

Submissions (3):

Labcorp Genetics (formerly Invitae), Labcorp
Classification: Benign. Last evaluated: 2025-11-10. Review status: criteria provided, single submitter. Criteria: Invitae Variant Classification Sherloc (09022015). Collection method: clinical testing. Allele origin: germline.

Blueprint Genetics
Classification: Likely benign. Last evaluated: 2024-09-09. Review status: criteria provided, single submitter. Criteria: ACMG Guidelines, 2015. Collection method: clinical testing. Allele origin: germline.

PreventionGenetics, part of Exact Sciences
Classification: Likely benign for TTLL5-related condition. Last evaluated: 2019-07-11. Review status: no assertion criteria provided. Collection method: clinical testing. Allele origin: germline. Not counted in ClinVar's aggregate classification.
Comment: This variant is classified as likely benign based on ACMG/AMP sequence variant interpretation guidelines (Richards et al. 2015 PMID: 25741868, with internal and published modifications).